The following is an entry in ClinVar:

NM_024318.5(LILRA6):c.1170C>T (p.His390=)

Genes: LILRA6 (leukocyte immunoglobulin like receptor A6; minus strand), LILRB3 (leukocyte immunoglobulin like receptor B3; minus strand). Cytogenetic location: 19q13.42.
Variant type: single nucleotide variant.
Coding change: c.1170C>T on transcript NM_024318.5 (MANE Select); coding-DNA position 1170, C replaced by T.
Protein change: p.His390=; no amino-acid change (histidine 390 retained).
Molecular consequence: synonymous variant. On other transcripts: non-coding transcript variant (1).
Genome position (GRCh38, 1-based): chr19:54,240,362, G>A on the plus strand (C>T on the coding strand, the complement: LILRA6 is on the minus strand). VCF-style: chr19-54240362-G-A. GRCh37 (hg19) VCF-style: chr19-54744238-G-A.
Identifiers: ClinVar variation 5040853 (VCV005040853.1).

ClinVar aggregate classification (germline): Likely benign (1 of 4 stars; one submission).

Submission:

CeGaT Center for Human Genetics Tuebingen
Classification: Likely benign. Last evaluated: 2026-09-01. Review status: criteria provided, single submitter. Criteria: CeGaT Center For Human Genetics Tuebingen Variant Classification Criteria Version 2. Collection method: clinical testing. Allele origin: germline. Affected: yes. Observed: 1 variant allele.
Comment: LILRA6: BP4, BP7; LILRB3: BP4, BP7